The following is an entry in ClinVar:

NM_000642.3(AGL):c.2158-2A>G

Gene: AGL (amylo-alpha-1,6-glucosidase and 4-alpha-glucanotransferase; plus strand). Cytogenetic location: 1p21.2.
Variant type: single nucleotide variant.
Coding change: c.2158-2A>G on transcript NM_000642.3 (MANE Select); the canonical splice acceptor site of the intron before coding-DNA position 2158, A replaced by G.
Molecular consequence: splice acceptor variant.
Genome position (GRCh38, 1-based): chr1:99,881,539, A>G. VCF-style: chr1-99881539-A-G. GRCh37 (hg19) VCF-style: chr1-100347095-A-G.
Other names: c.2158-2A>G (NM_000643.3, NM_000644.3, NM_001425326.1 and 2 more transcripts); c.2110-2A>G (NM_000646.3); c.1957-2A>G (NM_001425327.1); c.1954-2A>G (NM_001425328.1, NM_001425329.1); c.1780-2A>G (NM_001425332.1).
Identifiers: ClinVar variation 557690 (VCV000557690.16), dbSNP rs878959417, ClinGen allele CA27516448.

ClinVar aggregate classification (germline): Likely pathogenic. Review status: criteria provided, multiple submitters, no conflicts (2 of 4 stars). 6 submissions from 6 submitters: Likely pathogenic (5). 1 of the submissions does not count toward it. Last evaluated 2025-09-24.

Conditions:
Glycogen storage disease type III (GSD3). Also called: FORBES DISEASE; Cori disease. Identifiers: Orphanet 366, MedGen C0017922, MONDO:0009291, OMIM 232400.

Allele frequency attached by ClinVar (database versions not stated): gnomAD exomes below 0.00001; TOPMed below 0.00001.
gnomAD v4.1: 1 of 1,613,954 alleles (0.000062%); highest among the groups gnomAD compares: Non-Finnish European, 0.000085%; no homozygotes.

Submissions (6):

Natera, Inc.
Classification: Likely pathogenic for Glycogen storage disease type III. Last evaluated: 2025-09-24. Review status: criteria provided, single submitter. Criteria: Natera Variant Classification Schema (03/2026). Collection method: clinical testing. Allele origin: germline.
Comment: The c.2158-2A>G variant in AGL is a canonical splice acceptor site variant predicted to affect pre-mRNA splicing, which may result in an abnormal transcript and altered protein product. This variant is expected to result in nonsense mediated decay, truncation, or a dysfunctional protein product. This variant is rare in the general population with a frequency below the threshold expected for the associated phenotype(s). Given the available evidence, this variant is classified as Likely Pathogenic.

Baylor Genetics
Classification: Likely pathogenic for Glycogen storage disease type III. Last evaluated: 2024-03-07. Review status: criteria provided, single submitter. Criteria: ACMG Guidelines, 2015. Collection method: clinical testing. Allele origin: unknown.

Genome-Nilou Lab
Classification: Likely pathogenic for Glycogen storage disease type III. Last evaluated: 2023-04-11. Review status: criteria provided, single submitter. Criteria: ACMG Guidelines, 2015. Collection method: clinical testing. Allele origin: germline. Affected: no.

Fulgent Genetics
Classification: Likely pathogenic for Glycogen storage disease type III. Last evaluated: 2022-03-03. Review status: criteria provided, single submitter. Criteria: ACMG Guidelines, 2015. Collection method: clinical testing. Allele origin: unknown.

Labcorp Genetics (formerly Invitae), Labcorp
Classification: Likely pathogenic for Glycogen storage disease type III. Last evaluated: 2021-09-24. Review status: criteria provided, single submitter. Criteria: Invitae Variant Classification Sherloc (09022015). Collection method: clinical testing. Allele origin: germline.
Comment: This sequence change affects an acceptor splice site in intron 16 of the AGL gene. It is expected to disrupt RNA splicing. Variants that disrupt the donor or acceptor splice site typically lead to a loss of protein function (PMID: 16199547), and loss-of-function variants in AGL are known to be pathogenic (PMID: 19299494). In summary, the currently available evidence indicates that the variant is pathogenic, but additional data are needed to prove that conclusively. Therefore, this variant has been classified as Likely Pathogenic. Algorithms developed to predict the effect of sequence changes on RNA splicing suggest that this variant may disrupt the consensus splice site. ClinVar contains an entry for this variant (Variation ID: 557690). Disruption of this splice site has been observed in individual(s) with AGL-related conditions (Invitae). This variant is not present in population databases (ExAC no frequency).

Counsyl
Classification: Likely pathogenic for Glycogen storage disease type III. Last evaluated: 2018-04-12. Review status: no assertion criteria provided. Collection method: clinical testing. Allele origin: unknown. Not counted in ClinVar's aggregate classification.

Literature cited by the submitters: PubMed 16199547 (cited by Labcorp Genetics (formerly Invitae), Labcorp); PubMed 19299494 (cited by Labcorp Genetics (formerly Invitae), Labcorp).